The following is an entry in ClinVar:

ClinVar aggregate classification (germline): Uncertain significance (1 of 4 stars; one submission).

Conditions:
Cardiac arrhythmia. Also called: Cardiac rhythm disease; Arrhythmia. Identifiers: MedGen C0003811, MONDO:0007263, HP:0011675.

Allele frequency attached by ClinVar (database versions not stated): ExAC 0.00004; gnomAD 0.00001.

Submission:

Color Diagnostics, LLC DBA Color Health
Classification: Uncertain significance for Cardiac arrhythmia. Last evaluated: 2019-05-24. Review status: criteria provided, single submitter. Criteria: ACMG Guidelines, 2015. Collection method: clinical testing. Allele origin: germline.
Comment: This missense variant replaces leucine with phenylalanine at codon 613 of the KCNQ1 protein. Computational prediction tools and conservation analyses suggest that this variant may have deleterious impact on the protein function. Computational splicing tools suggest that this variant may not impact RNA splicing. To our knowledge, functional assays have not been performed for this variant nor has this variant been reported in individuals affected with cardiovascular disorders in the literature. This variant has not been identified in the general population by the Genome Aggregation Database (gnomAD). Available evidence is insufficient to determine the role of this variant in disease conclusively. Therefore, this variant is classified as a Variant of Uncertain Significance.

NM_000218.3(KCNQ1):c.1837C>T (p.Leu613Phe)

Genes: KCNQ1-AS1 (KCNQ1 antisense RNA 1; minus strand), KCNQ1 (potassium voltage-gated channel subfamily Q member 1; plus strand). Cytogenetic location: 11p15.4.
Variant type: single nucleotide variant.
Coding change: c.1837C>T on transcript NM_000218.3 (MANE Select); coding-DNA position 1837, C replaced by T.
Protein change: p.Leu613Phe; replaces leucine 613 with phenylalanine.
Molecular consequence: missense variant.
Genome position (GRCh38, 1-based): chr11:2,847,809, C>T. VCF-style: chr11-2847809-C-T. GRCh37 (hg19) VCF-style: chr11-2869039-C-T.
Other names: c.1741C>T, p.Leu581Phe (NM_001406836.1); c.1567C>T, p.Leu523Phe (NM_001406837.1); c.1297C>T, p.Leu433Phe (NM_001406838.1); c.349C>T, p.Leu117Phe (NM_001406839.1); c.1456C>T, p.Leu486Phe (NM_181798.2); short protein forms L613F, L486F, L523F, L117F, L581F, L433F.
Identifiers: ClinVar variation 918696 (VCV000918696.6), dbSNP rs767014889, ClinGen allele CA033320.